The following is an entry in ClinVar:

NM_000719.7(CACNA1C):c.1864G>A (p.Val622Ile)

Gene: CACNA1C (calcium voltage-gated channel subunit alpha1 C; plus strand). Cytogenetic location: 12p13.33.
Variant type: single nucleotide variant.
Coding change: c.1864G>A on transcript NM_000719.7 (MANE Select); coding-DNA position 1864, G replaced by A.
Protein change: p.Val622Ile; replaces valine 622 with isoleucine.
Molecular consequence: missense variant.
Genome position (GRCh38, 1-based): chr12:2,567,763, G>A. VCF-style: chr12-2567763-G-A. GRCh37 (hg19) VCF-style: chr12-2676929-G-A.
Other names: p.V622I:GTC>ATC; c.1864G>A, p.Val622Ile (NM_001129827.2, NM_001129829.2, NM_001129830.3 and 18 more transcripts); c.1855G>A, p.Val619Ile (NM_001129844.2); short protein forms V622I, V619I.
Identifiers: ClinVar variation 190646 (VCV000190646.18), dbSNP rs768270021, ClinGen allele CA301340.

ClinVar aggregate classification (germline): Conflicting classifications of pathogenicity. Review status: criteria provided, conflicting classifications (1 of 4 stars). 4 submissions from 4 submitters: Uncertain significance (2); Likely benign (2). Last evaluated 2026-04-03.

Conditions:
CACNA1C-related disorder. Also called: CACNA1C-related disorders; CACNA1C-related condition. Identifiers: MedGen CN381092, MONDO:0700321.
Cardiovascular phenotype. Identifiers: MedGen CN230736.
Long QT syndrome (LQTS). Identifiers: MedGen C0023976, MeSH D008133, MONDO:0002442. Disease mechanism: loss of function. Inheritance: Various modes of inheritance.

Allele frequency attached by ClinVar (database versions not stated): gnomAD 0.00001; gnomAD exomes 0.00001 and 0.00002; TOPMed 0.00002; ExAC 0.00003.
gnomAD v4.1: 22 of 1,610,730 alleles (0.0014%); highest among the groups gnomAD compares: Non-Finnish European, 0.0014%; no homozygotes.

Submissions (4):

PreventionGenetics, part of Exact Sciences
Classification: Uncertain significance for CACNA1C-related condition. Last evaluated: 2026-04-03. Review status: criteria provided, single submitter. Criteria: ACMG Guidelines, 2015. Collection method: clinical testing. Allele origin: germline.
Comment: The CACNA1C c.1864G>A variant is predicted to result in the amino acid substitution p.Val622Ile. To our knowledge, this variant has not been reported in the literature. This variant is reported in 0.010% of alleles in individuals of Ashkenazi Jewish descent in gnomAD. Although we suspect that this variant may be benign, at this time, the clinical significance of this variant is uncertain due to the absence of conclusive functional and genetic evidence.

Ambry Genetics
Classification: Likely benign for Cardiovascular phenotype. Last evaluated: 2025-11-24. Review status: criteria provided, single submitter. Criteria: Ambry Variant Classification Scheme 2023. Collection method: clinical testing. Allele origin: germline.

Labcorp Genetics (formerly Invitae), Labcorp
Classification: Likely benign for Long QT syndrome. Last evaluated: 2025-01-12. Review status: criteria provided, single submitter. Criteria: Invitae Variant Classification Sherloc (09022015). Collection method: clinical testing. Allele origin: germline.

GeneDx
Classification: Uncertain significance. Last evaluated: 2020-04-23. Review status: criteria provided, single submitter. Criteria: GeneDx Variant Classification Process June 2021. Collection method: clinical testing. Allele origin: germline. Affected: yes.
Comment: Has not been previously published as pathogenic or benign to our knowledge; Reported in ClinVar as a variant of uncertain significance (ClinVar Variant ID# 190646; Landrum et al., 2016); In silico analysis supports that this missense variant does not alter protein structure/function